The following is an entry in ClinVar:

NM_002755.4(MAP2K1):c.356A>G (p.His119Arg)

Gene: MAP2K1 (mitogen-activated protein kinase kinase 1; plus strand). Cytogenetic location: 15q22.31.
Variant type: single nucleotide variant.
Coding change: c.356A>G on transcript NM_002755.4 (MANE Select); coding-DNA position 356, A replaced by G.
Protein change: p.His119Arg; replaces histidine 119 with arginine.
Molecular consequence: missense variant.
Genome position (GRCh38, 1-based): chr15:66,436,810, A>G. VCF-style: chr15-66436810-A-G. GRCh37 (hg19) VCF-style: chr15-66729148-A-G.
Other names: c.290A>G, p.His97Arg (NM_001411065.1); short protein forms H97R, H119R.
Identifiers: ClinVar variation 4710021 (VCV004710021.1).

ClinVar aggregate classification (germline): Uncertain significance (1 of 4 stars; one submission).

Conditions:
RASopathy. Also called: Noonan spectrum disorder; rasopathies. Identifiers: Orphanet 536391, MedGen C5555857, MONDO:0021060.

Submission:

Labcorp Genetics (formerly Invitae), Labcorp
Classification: Uncertain significance for RASopathy. Last evaluated: 2025-08-30. Review status: criteria provided, single submitter. Criteria: Invitae Variant Classification Sherloc (09022015). Collection method: clinical testing. Allele origin: germline.
Comment: This sequence change replaces histidine, which is basic and polar, with arginine, which is basic and polar, at codon 119 of the MAP2K1 protein (p.His119Arg). This variant is not present in population databases (gnomAD no frequency). This variant has not been reported in the literature in individuals affected with MAP2K1-related conditions. Invitae Evidence Modeling of protein sequence and biophysical properties (such as structural, functional, and spatial information, amino acid conservation, physicochemical variation, residue mobility, and thermodynamic stability) has been performed for this missense variant. However, the output from this modeling did not meet the statistical confidence thresholds required to predict the impact of this variant on MAP2K1 protein function. Experimental studies have shown that this missense change affects MAP2K1 function (PMID: 12370306). This variant disrupts the p.His119 amino acid residue in MAP2K1. Other variant(s) that disrupt this residue have been determined to be pathogenic (PMID: 12370306; internal data). This suggests that this residue is clinically significant, and that variants that disrupt this residue are likely to be disease-causing. In summary, the available evidence is currently insufficient to determine the role of this variant in disease. Therefore, it has been classified as a Variant of Uncertain Significance.

Literature cited by the submitters: PubMed 12370306.